The following is an entry in ClinVar:

ClinVar aggregate classification (germline): Conflicting classifications of pathogenicity. Review status: criteria provided, conflicting classifications (1 of 4 stars). 4 submissions from 4 submitters: Uncertain significance (3); Likely benign (1). Last evaluated 2025-09-03.

Conditions:
ALPK3-related disorder. Also called: ALPK3-related condition.
Cardiovascular phenotype. Identifiers: MedGen CN230736.

Allele frequency attached by ClinVar (database versions not stated): ExAC 0.00004; gnomAD exomes 0.00004 and 0.00005; gnomAD 0.00006 and 0.00007; TOPMed 0.00006; ESP Exome Variant Server 0.00008.
gnomAD v4.1: 81 of 1,613,926 alleles (0.005%); highest among the groups gnomAD compares: African/African-American, 0.017%; no homozygotes.

Submissions (4):

PreventionGenetics, part of Exact Sciences
Classification: Uncertain significance for ALPK3-related condition. Last evaluated: 2025-09-03. Review status: criteria provided, single submitter. Criteria: ACMG Guidelines, 2015. Collection method: clinical testing. Allele origin: germline.
Comment: The ALPK3 c.3149C>T variant is predicted to result in the amino acid substitution p.Pro1050Leu. To our knowledge, this variant has not been reported in the literature. This variant is reported in 0.012% of alleles in individuals of African descent in gnomAD. At this time, the clinical significance of this variant is uncertain due to the absence of conclusive functional and genetic evidence.

Labcorp Genetics (formerly Invitae), Labcorp
Classification: Uncertain significance. Last evaluated: 2025-07-31. Review status: criteria provided, single submitter. Criteria: Invitae Variant Classification Sherloc (09022015). Collection method: clinical testing. Allele origin: germline.
Comment: This sequence change replaces proline, which is neutral and non-polar, with leucine, which is neutral and non-polar, at codon 1050 of the ALPK3 protein (p.Pro1050Leu). This variant is present in population databases (rs372536101, gnomAD 0.01%). This variant has not been reported in the literature in individuals affected with ALPK3-related conditions. ClinVar contains an entry for this variant (Variation ID: 392020). Invitae Evidence Modeling of protein sequence and biophysical properties (such as structural, functional, and spatial information, amino acid conservation, physicochemical variation, residue mobility, and thermodynamic stability) indicates that this missense variant is not expected to disrupt ALPK3 protein function with a negative predictive value of 80%. In summary, the available evidence is currently insufficient to determine the role of this variant in disease. Therefore, it has been classified as a Variant of Uncertain Significance.

GeneDx
Classification: Uncertain significance. Last evaluated: 2024-12-17. Review status: criteria provided, single submitter. Criteria: GeneDx Variant Classification Process June 2021. Collection method: clinical testing. Allele origin: germline. Affected: yes.
Comment: Has not been previously published as pathogenic or benign to our knowledge; In silico analysis indicates that this missense variant does not alter protein structure/function

Ambry Genetics
Classification: Likely benign for Cardiovascular phenotype. Last evaluated: 2022-09-06. Review status: criteria provided, single submitter. Criteria: Ambry Variant Classification Scheme 2023. Collection method: clinical testing. Allele origin: germline.

NM_020778.5(ALPK3):c.2543C>T (p.Pro848Leu)

Gene: ALPK3 (alpha kinase 3; plus strand). Cytogenetic location: 15q25.3.
Variant type: single nucleotide variant.
Coding change: c.2543C>T on transcript NM_020778.5 (MANE Select); coding-DNA position 2543, C replaced by T.
Protein change: p.Pro848Leu; replaces proline 848 with leucine.
Molecular consequence: missense variant.
Genome position (GRCh38, 1-based): chr15:84,857,281, C>T. VCF-style: chr15-84857281-C-T. GRCh37 (hg19) VCF-style: chr15-85400512-C-T.
Other names: short protein forms P1050L, P848L.
Identifiers: ClinVar variation 392020 (VCV000392020.12), dbSNP rs372536101, ClinGen allele CA7709444.